The following is an entry in ClinVar:

ClinVar aggregate classification (germline): Uncertain significance. Review status: criteria provided, multiple submitters, no conflicts (2 of 4 stars). 2 submissions from 2 submitters: Uncertain significance (2). Last evaluated 2025-05-22.

Conditions:
Cortical dysplasia-focal epilepsy syndrome (PTHSL1). Also called: Pitt-Hopkins-like syndrome 1. Identifiers: Orphanet 163681, Orphanet 221150, MedGen C2750246, MONDO:0012400, OMIM 610042.

Submissions (2):

GeneDx
Classification: Uncertain significance. Last evaluated: 2025-05-22. Review status: criteria provided, single submitter. Criteria: GeneDx Variant Classification Process June 2021. Collection method: clinical testing. Allele origin: germline. Affected: yes.
Comment: Not observed at significant frequency in large population cohorts (gnomAD); Predicted to result in the in-frame deletion of two amino acid residues and insertion of two incorrect amino acids; In silico analysis suggests that this variant does not alter protein structure/function; Has not been previously published as pathogenic or benign to our knowledge

Labcorp Genetics (formerly Invitae), Labcorp
Classification: Uncertain significance for Cortical dysplasia-focal epilepsy syndrome. Last evaluated: 2022-08-02. Review status: criteria provided, single submitter. Criteria: Invitae Variant Classification Sherloc (09022015). Collection method: clinical testing. Allele origin: germline.
Comment: In summary, the available evidence is currently insufficient to determine the role of this variant in disease. Therefore, it has been classified as a Variant of Uncertain Significance. Experimental studies and prediction algorithms are not available or were not evaluated, and the functional significance of this variant is currently unknown. ClinVar contains an entry for this variant (Variation ID: 449783). This variant has not been reported in the literature in individuals affected with CNTNAP2-related conditions. Information on the frequency of this variant in the gnomAD database is not available, as this variant may be reported differently in the database. This variant, c.2136_2137delinsAA, is a complex sequence change that results in the deletion of 2 and insertion of 2 amino acid(s) in the CNTNAP2 protein (p.Asn712_Glu713delinsLysLys).

NM_014141.6(CNTNAP2):c.2136_2137delinsAA (p.Asn712_Glu713delinsLysLys)

Gene: CNTNAP2 (contactin associated protein 2; plus strand). Cytogenetic location: 7q35.
Variant type: Indel.
Coding change: c.2136_2137delinsAA on transcript NM_014141.6 (MANE Select); coding-DNA positions 2136 to 2137, CG replaced by AA.
Protein change: p.Asn712_Glu713delinsLysLys.
Molecular consequence: missense variant.
Genome position (GRCh38, 1-based): chr7:147,903,602-147,903,603, CG replaced by AA. VCF-style: chr7-147903602-CG-AA. GRCh37 (hg19) VCF-style: chr7-147600694-CG-AA.
Other names: c.2136_2137delCGinsAA (NM_014141.5).
Identifiers: ClinVar variation 449783 (VCV000449783.7), dbSNP rs1554447800, ClinGen allele CA658657738.
Genomic context (GRCh38, chr7:147,903,602, plus strand): 5'-TATACCTTTGCCTTTTCTTGTAGATGGAAGCCCTTACACTTGGTGGGTTGGCAAAGCCAA[CG>AA]AGAAGCACTACTACTGGGGAGGCTCTGGGCCTGGAATCCAGAAATGTGCCTGCGGCATCG-3'